The following is an entry in ClinVar:

ClinVar aggregate classification (germline): Uncertain significance (1 of 4 stars; one submission).

Allele frequency attached by ClinVar (database versions not stated): gnomAD exomes 0.00001; TOPMed 0.00001; gnomAD 0.00002.
gnomAD v4.1: 14 of 1,613,682 alleles (0.00087%); highest among the groups gnomAD compares: Non-Finnish European, 0.0011%; no homozygotes.

Submission:

GeneDx
Classification: Uncertain significance. Last evaluated: 2022-11-01. Review status: criteria provided, single submitter. Criteria: GeneDx Variant Classification Process June 2021. Collection method: clinical testing. Allele origin: germline. Affected: yes.
Comment: Not observed at significant frequency in large population cohorts (gnomAD); In silico analysis supports that this missense variant has a deleterious effect on protein structure/function; Has not been previously published as pathogenic or benign to our knowledge

NM_002936.6(RNASEH1):c.764A>G (p.Asp255Gly)

Gene: RNASEH1 (ribonuclease H1; minus strand). Cytogenetic location: 2p25.3.
Variant type: single nucleotide variant.
Coding change: c.764A>G on transcript NM_002936.6 (MANE Select); coding-DNA position 764, A replaced by G.
Protein change: p.Asp255Gly; replaces aspartic acid 255 with glycine.
Molecular consequence: missense variant. On other transcripts: non-coding transcript variant (7).
Genome position (GRCh38, 1-based): chr2:3,547,941, T>C on the plus strand (A>G on the coding strand, the complement: RNASEH1 is on the minus strand). VCF-style: chr2-3547941-T-C. GRCh37 (hg19) VCF-style: chr2-3595531-T-C.
Other names: c.686A>G, p.Asp229Gly (NM_001286834.3); c.413A>G, p.Asp138Gly (NM_001286837.3); c.764A>G, p.Asp255Gly (NM_001378271.1); c.761A>G, p.Asp254Gly (NM_001378272.1); c.749A>G, p.Asp250Gly (NM_001378273.1); short protein forms D138G, D229G, D250G, D254G, D255G.
Identifiers: ClinVar variation 2500574 (VCV002500574.1), dbSNP rs1180431899, ClinGen allele CA345736154.